The following is an entry in ClinVar:

NM_020937.4(FANCM):c.2460C>G (p.Asn820Lys)

Gene: FANCM (FA complementation group M; plus strand). Cytogenetic location: 14q21.2.
Variant type: single nucleotide variant.
Coding change: c.2460C>G on transcript NM_020937.4 (MANE Select); coding-DNA position 2460, C replaced by G.
Protein change: p.Asn820Lys; replaces asparagine 820 with lysine.
Molecular consequence: missense variant.
Genome position (GRCh38, 1-based): chr14:45,175,214, C>G. VCF-style: chr14-45175214-C-G. GRCh37 (hg19) VCF-style: chr14-45644417-C-G.
Other names: c.2382C>G, p.Asn794Lys (NM_001308133.2); short protein forms N794K, N820K.
Identifiers: ClinVar variation 4254651 (VCV004254651.1).
Genomic context (GRCh38, chr14:45,175,214, plus strand): 5'-ATCTAATAATCTTGCCAGTGACACCTTTATCACTCACAAGAAATCGTCATTTATAAAGAA[C>G]ATAAATCAAGGCAGTTCATCCTCAGTGATAGAATCTGATGAAGAATGTGCTGAAATTGTT-3'
Protein context (NP_065988.1, residues 810-830): ITHKKSSFIK[Asn820Lys]INQGSSSSVI

ClinVar aggregate classification (germline): Uncertain significance (1 of 4 stars; one submission).

Conditions:
Inborn genetic diseases. Identifiers: MedGen C0950123, MeSH D030342.

Submission:

Ambry Genetics
Classification: Uncertain significance for Inborn genetic diseases. Last evaluated: 2025-08-04. Review status: criteria provided, single submitter. Criteria: Ambry Variant Classification Scheme 2023. Collection method: clinical testing. Allele origin: germline.
Comment: The p.N820K variant (also known as c.2460C>G), located in coding exon 14 of the FANCM gene, results from a C to G substitution at nucleotide position 2460. The asparagine at codon 820 is replaced by lysine, an amino acid with similar properties. This amino acid position is conserved. In addition, this alteration is predicted to be tolerated by in silico analysis. Based on the available evidence, the clinical significance of this variant remains unclear.